The following is an entry in ClinVar:

NM_004863.4(SPTLC2):c.5G>T (p.Arg2Leu)

Gene: SPTLC2 (serine palmitoyltransferase long chain base subunit 2; minus strand). Cytogenetic location: 14q24.3.
Variant type: single nucleotide variant.
Coding change: c.5G>T on transcript NM_004863.4 (MANE Select); coding-DNA position 5, G replaced by T.
Protein change: p.Arg2Leu; replaces arginine 2 with leucine.
Molecular consequence: missense variant.
Genome position (GRCh38, 1-based): chr14:77,616,575, C>A on the plus strand (G>T on the coding strand, the complement: SPTLC2 is on the minus strand). VCF-style: chr14-77616575-C-A. GRCh37 (hg19) VCF-style: chr14-78082918-C-A.
Other names: short protein forms R2L.
Identifiers: ClinVar variation 1974827 (VCV001974827.5), dbSNP rs1406454907, ClinGen allele CA390712780.

ClinVar aggregate classification (germline): Uncertain significance (1 of 4 stars; one submission).

Conditions:
Neuropathy, hereditary sensory and autonomic, type 1C. Also called: HSAN IC; HSN IC. Identifiers: Orphanet 36386, MedGen C3150896, MONDO:0013337, OMIM 613640.

gnomAD v4.1: 1 of 1,538,414 alleles (0.000065%); no homozygotes.

Submission:

Labcorp Genetics (formerly Invitae), Labcorp
Classification: Uncertain significance for Neuropathy, hereditary sensory and autonomic, type 1C. Last evaluated: 2022-02-24. Review status: criteria provided, single submitter. Criteria: Invitae Variant Classification Sherloc (09022015). Collection method: clinical testing. Allele origin: germline.
Comment: This sequence change replaces arginine, which is basic and polar, with leucine, which is neutral and non-polar, at codon 2 of the SPTLC2 protein (p.Arg2Leu). This variant is not present in population databases (gnomAD no frequency). This variant has not been reported in the literature in individuals affected with SPTLC2-related conditions. Algorithms developed to predict the effect of missense changes on protein structure and function are either unavailable or do not agree on the potential impact of this missense change (SIFT: "Tolerated"; PolyPhen-2: "Possibly Damaging"; Align-GVGD: "Class C0"). In summary, the available evidence is currently insufficient to determine the role of this variant in disease. Therefore, it has been classified as a Variant of Uncertain Significance.